The following is an entry in ClinVar:

NM_004304.5(ALK):c.4830A>C (p.Lys1610Asn)

Gene: ALK (ALK receptor tyrosine kinase; minus strand). Cytogenetic location: 2p23.2.
Variant type: single nucleotide variant.
Coding change: c.4830A>C on transcript NM_004304.5 (MANE Select); coding-DNA position 4830, A replaced by C.
Protein change: p.Lys1610Asn; replaces lysine 1610 with asparagine.
Molecular consequence: missense variant.
Genome position (GRCh38, 1-based): chr2:29,193,257, T>G on the plus strand (A>C on the coding strand, the complement: ALK is on the minus strand). VCF-style: chr2-29193257-T-G. GRCh37 (hg19) VCF-style: chr2-29416123-T-G.
Other names: c.1626A>C, p.Lys542Asn (NM_001353765.2); short protein forms K1610N, K542N.
Identifiers: ClinVar variation 4675097 (VCV004675097.1).
Genomic context (GRCh38, chr2:29,193,257, plus strand): 5'-GGAAGAGAAGTGAGTGTGCGACCGAGCTCAGGGCCCAGGCTGGTTCATGCTATTCTTGCT[T>G]TTCAGAATGGTATCCTCGTAATGACCAGCTCCAGGGGCAGTAGCGGCTTCTAAGGGCAAG-3'
Protein context (NP_004295.2, residues 1600-1620): GAGHYEDTIL[Lys1610Asn]SKNSMNQPGP

ClinVar aggregate classification (germline): Uncertain significance (1 of 4 stars; one submission).

Conditions:
Hereditary cancer-predisposing syndrome. Also called: Neoplastic Syndromes, Hereditary; Tumor predisposition; Hereditary Cancer Syndrome; Hereditary neoplastic syndrome. Identifiers: Orphanet 140162, MedGen C0027672, MeSH D009386, MONDO:0015356.

Submission:

Ambry Genetics
Classification: Uncertain significance for Hereditary cancer-predisposing syndrome. Last evaluated: 2025-10-12. Review status: criteria provided, single submitter. Criteria: Ambry Variant Classification Scheme 2023. Collection method: clinical testing. Allele origin: germline.
Comment: The p.K1610N variant (also known as c.4830A>C), located in coding exon 29 of the ALK gene, results from an A to C substitution at nucleotide position 4830. The lysine at codon 1610 is replaced by asparagine, an amino acid with similar properties. This amino acid position is conserved. In addition, this alteration is predicted to be tolerated by in silico analysis. Based on the available evidence, the clinical significance of this variant remains unclear.